The following is an entry in ClinVar:

ClinVar aggregate classification (germline): Uncertain significance (1 of 4 stars; one submission).

Conditions:
Aortic aneurysm, familial thoracic 8 (AAT8). Identifiers: MedGen C3809513, MONDO:0014187, OMIM 615436.

Submission:

Labcorp Genetics (formerly Invitae), Labcorp
Classification: Uncertain significance for Aortic aneurysm, familial thoracic 8. Last evaluated: 2023-08-10. Review status: criteria provided, single submitter. Criteria: Invitae Variant Classification Sherloc (09022015). Collection method: clinical testing. Allele origin: germline.
Comment: In summary, the available evidence is currently insufficient to determine the role of this variant in disease. Therefore, it has been classified as a Variant of Uncertain Significance. This variant has not been reported in the literature in individuals affected with PRKG1-related conditions. This variant is not present in population databases (gnomAD no frequency). This sequence change creates a premature translational stop signal (p.Lys608Asnfs*11) in the PRKG1 gene. It is expected to result in an absent or disrupted protein product. However, the current clinical and genetic evidence is not sufficient to establish whether loss-of-function variants in PRKG1 cause disease.

NM_006258.4(PRKG1):c.1824del (p.Lys608fs)

Gene: PRKG1 (protein kinase cGMP-dependent 1; plus strand). Cytogenetic location: 10q21.1.
Variant type: Deletion.
Coding change: c.1824del on transcript NM_006258.4 (MANE Select); coding-DNA position 1824, one base deleted (A; older notation c.1824delA).
Protein change: p.Lys608fs; shifts the reading frame from lysine 608.
Molecular consequence: frameshift variant.
Genome position (GRCh38, 1-based): chr10:52,288,840, A deleted; the last of 6 consecutive A bases (chr10:52,288,835-52,288,840); deleting any one gives the same sequence. VCF-style (leftmost placement, unchanged base first): chr10-52288834-TA-T. GRCh37 (hg19) VCF-style: chr10-54048594-TA-T.
Other names: c.1779del, p.Lys593fs (NM_001098512.3); c.615del, p.Lys205fs (NM_001374781.1); short protein forms K593fs, K608fs, K205fs.
Identifiers: ClinVar variation 3015091 (VCV003015091.3), dbSNP rs2492884868, ClinGen allele CA2740092990.